The following is an entry in ClinVar:

ClinVar aggregate classification (germline): Uncertain significance. Review status: criteria provided, multiple submitters, no conflicts (2 of 4 stars). 3 submissions from 3 submitters: Uncertain significance (3). Last evaluated 2022-07-05.

Conditions:
RYR1-related disorder. Also called: RYR1-related condition; RYR1-related disorders. Identifiers: MedGen CN239331.

Allele frequency attached by ClinVar (database versions not stated): gnomAD 0.00001; TOPMed 0.00001.
gnomAD v4.1: 3 of 1,613,990 alleles (0.00019%); highest among the groups gnomAD compares: African/African-American, 0.0027%; no homozygotes.

Submissions (3):

Labcorp Genetics (formerly Invitae), Labcorp
Classification: Uncertain significance for RYR1-related disorder. Last evaluated: 2022-07-05. Review status: criteria provided, single submitter. Criteria: Invitae Variant Classification Sherloc (09022015). Collection method: clinical testing. Allele origin: germline.
Comment: This sequence change replaces valine, which is neutral and non-polar, with leucine, which is neutral and non-polar, at codon 3960 of the RYR1 protein (p.Val3960Leu). This variant is not present in population databases (gnomAD no frequency). This variant has not been reported in the literature in individuals affected with RYR1-related conditions. ClinVar contains an entry for this variant (Variation ID: 423688). Advanced modeling of protein sequence and biophysical properties (such as structural, functional, and spatial information, amino acid conservation, physicochemical variation, residue mobility, and thermodynamic stability) performed at Invitae indicates that this missense variant is not expected to disrupt RYR1 protein function. In summary, the available evidence is currently insufficient to determine the role of this variant in disease. Therefore, it has been classified as a Variant of Uncertain Significance.

Revvity Omics, Revvity
Classification: Uncertain significance. Last evaluated: 2020-11-05. Review status: criteria provided, single submitter. Criteria: ACMG Guidelines, 2015. Collection method: clinical testing. Allele origin: germline.

GeneDx
Classification: Uncertain significance. Last evaluated: 2019-12-04. Review status: criteria provided, single submitter. Criteria: GeneDx Variant Classification Process June 2021. Collection method: clinical testing. Allele origin: germline. Affected: yes.
Comment: Not observed in large population cohorts (Lek et al., 2016); In silico analysis, which includes protein predictors and evolutionary conservation, supports that this variant does not alter protein structure/function; Has not been previously published as pathogenic or benign to our knowledge

NM_000540.3(RYR1):c.11878G>C (p.Val3960Leu)

Gene: RYR1 (ryanodine receptor 1; plus strand). Cytogenetic location: 19q13.2.
Variant type: single nucleotide variant.
Coding change: c.11878G>C on transcript NM_000540.3 (MANE Select); coding-DNA position 11878, G replaced by C.
Protein change: p.Val3960Leu; replaces valine 3960 with leucine.
Molecular consequence: missense variant.
Genome position (GRCh38, 1-based): chr19:38,543,631, G>C. VCF-style: chr19-38543631-G-C. GRCh37 (hg19) VCF-style: chr19-39034271-G-C.
Other names: c.11863G>C, p.Val3955Leu (NM_001042723.2); short protein forms V3960L, V3955L.
Identifiers: ClinVar variation 423688 (VCV000423688.11), dbSNP rs1064796578, ClinGen allele CA16620840.